The following is an entry in ClinVar:

NM_018975.4(TERF2IP):c.299G>A (p.Arg100Gln)

Gene: TERF2IP (TERF2 interacting protein; plus strand). Cytogenetic location: 16q23.1.
Variant type: single nucleotide variant.
Coding change: c.299G>A on transcript NM_018975.4 (MANE Select); coding-DNA position 299, G replaced by A.
Protein change: p.Arg100Gln; replaces arginine 100 with glutamine.
Molecular consequence: missense variant. On other transcripts: non-coding transcript variant (1).
Genome position (GRCh38, 1-based): chr16:75,648,181, G>A. VCF-style: chr16-75648181-G-A. GRCh37 (hg19) VCF-style: chr16-75682079-G-A.
Other names: short protein forms R100Q.
Identifiers: ClinVar variation 1798613 (VCV001798613.3), dbSNP rs762218183, ClinGen allele CA8177975.
Genomic context (GRCh38, chr16:75,648,181, plus strand): 5'-CCACGCAGTACATCCTGGACTGCGTGGAGCGCAACGAGAGGCTGGAGCTGGAGGCCTATC[G>A]GCTGGGCCCCGCCTCGGCGGCGGACACCGGCTCGGAAGCAAAGCCCGGGGCCCTGGCCGA-3'
Protein context (NP_061848.2, residues 90-110): RNERLELEAY[Arg100Gln]LGPASAADTG

ClinVar aggregate classification (germline): Uncertain significance (1 of 4 stars; one submission).

Allele frequency attached by ClinVar (database versions not stated): gnomAD 0.00001; TOPMed 0.00001; ExAC 0.00010.
gnomAD v4.1: 6 of 1,559,640 alleles (0.00038%); highest among the groups gnomAD compares: East Asian, 0.0023%; no homozygotes.

Submission:

Ambry Genetics
Classification: Uncertain significance. Last evaluated: 2024-09-23. Review status: criteria provided, single submitter. Criteria: Ambry Variant Classification Scheme 2023. Collection method: clinical testing. Allele origin: germline.
Comment: The p.R100Q variant (also known as c.299G>A), located in coding exon 1 of the TERF2IP gene, results from a G to A substitution at nucleotide position 299. The arginine at codon 100 is replaced by glutamine, an amino acid with highly similar properties. This amino acid position is conserved. In addition, this alteration is predicted to be tolerated by in silico analysis. Since supporting evidence is limited at this time, the clinical significance of this alteration remains unclear.